The following is an entry in ClinVar:

NM_004429.5(EFNB1):c.57G>A (p.Trp19Ter)

Gene: EFNB1 (ephrin B1; plus strand). Cytogenetic location: Xq13.1.
Variant type: single nucleotide variant.
Coding change: c.57G>A on transcript NM_004429.5 (MANE Select); coding-DNA position 57, G replaced by A.
Protein change: p.Trp19Ter; replaces tryptophan 19 with a stop codon.
Molecular consequence: nonsense.
Genome position (GRCh38, 1-based): chrX:68,829,833, G>A. VCF-style: chrX-68829833-G-A. GRCh37 (hg19) VCF-style: chrX-68049676-G-A.
Other names: short protein forms W19*.
Identifiers: ClinVar variation 4088120 (VCV004088120.1).
Genomic context (GRCh38, chrX:68,829,833, plus strand): 5'-GAAGATGGCTCGGCCTGGGCAGCGTTGGCTCGGCAAGTGGCTTGTGGCGATGGTCGTGTG[G>A]GCGCTGTGCCGGCTCGCCACACCGCTGGCCAAGAACCTGGAGCCCGTATCCTGGAGCTCC-3'

ClinVar aggregate classification (germline): Pathogenic (1 of 4 stars; one submission).

Submission:

GeneDx
Classification: Pathogenic. Last evaluated: 2025-03-24. Review status: criteria provided, single submitter. Criteria: GeneDx Variant Classification Process June 2021. Collection method: clinical testing. Allele origin: germline. Affected: yes.
Comment: Nonsense variant predicted to result in protein truncation or nonsense mediated decay in a gene for which loss of function is a known mechanism of disease; Not observed at significant frequency in large population cohorts (gnomAD); This variant is associated with the following publications: (PMID: 15166289)